The following is an entry in ClinVar:

NM_018979.4(WNK1):c.1993A>G (p.Thr665Ala)

Gene: WNK1 (WNK lysine deficient protein kinase 1; plus strand). Cytogenetic location: 12p13.33.
Variant type: single nucleotide variant.
Coding change: c.1993A>G on transcript NM_018979.4 (MANE Select); coding-DNA position 1993, A replaced by G.
Protein change: p.Thr665Ala; replaces threonine 665 with alanine.
Molecular consequence: missense variant.
Genome position (GRCh38, 1-based): chr12:862,124, A>G. VCF-style: chr12-862124-A-G. GRCh37 (hg19) VCF-style: chr12-971290-A-G.
Other names: c.1993A>G, p.Thr665Ala (NM_001184985.2, NM_014823.3, NM_213655.5); short protein forms T665A.
Identifiers: ClinVar variation 2948461 (VCV002948461.4), dbSNP rs151131947, ClinGen allele CA231492169.
Genomic context (GRCh38, chr12:862,124, plus strand): 5'-CGATTCATTTTTCCTTCAGCTGATGGGACGGTTGACAGTGGTCAGGGATCCTCTGTCTTC[A>G]CAGAATCTCGAGTGAGCAGCCAACAGACAGTTTCATATGGTTCCCAACATGAACAGGCAC-3'
Protein context (NP_061852.3, residues 655-675): VDSGQGSSVF[Thr665Ala]ESRVSSQQTV

ClinVar aggregate classification (germline): Uncertain significance. Review status: criteria provided, multiple submitters, no conflicts (2 of 4 stars). 2 submissions from 2 submitters: Uncertain significance (2). Last evaluated 2024-02-19.

Conditions:
Neuropathy, hereditary sensory and autonomic, type 2A (HSAN2A). Also called: ACROOSTEOLYSIS, GIACCAI TYPE; ACROOSTEOLYSIS, NEUROGENIC; MORVAN DISEASE; NEUROPATHY, CONGENITAL SENSORY; NEUROPATHY, HEREDITARY SENSORY RADICULAR, AUTOSOMAL RECESSIVE; NEUROPATHY, HEREDITARY SENSORY, TYPE IIA. Identifiers: Orphanet 970, MedGen C2752089, MONDO:0024309, OMIM 201300.
Pseudohypoaldosteronism type 2C (PHA2C). Also called: Pseudohypoaldosteronism Type IIC. Identifiers: Orphanet 757, Orphanet 88940, MedGen C1840391, MONDO:0013778, OMIM 614492.

Allele frequency attached by ClinVar (database versions not stated): ESP Exome Variant Server 0.00008.

Submissions (2):

Fulgent Genetics
Classification: Uncertain significance for Neuropathy, hereditary sensory and autonomic, type 2A; Pseudohypoaldosteronism type 2C. Last evaluated: 2024-02-19. Review status: criteria provided, single submitter. Criteria: ACMG Guidelines, 2015. Collection method: clinical testing. Allele origin: germline.

Labcorp Genetics (formerly Invitae), Labcorp
Classification: Uncertain significance for Neuropathy, hereditary sensory and autonomic, type 2A; Pseudohypoaldosteronism type 2C. Last evaluated: 2023-07-12. Review status: criteria provided, single submitter. Criteria: Invitae Variant Classification Sherloc (09022015). Collection method: clinical testing. Allele origin: germline.
Comment: This sequence change replaces threonine, which is neutral and polar, with alanine, which is neutral and non-polar, at codon 665 of the WNK1 protein (p.Thr665Ala). This variant is not present in population databases (gnomAD no frequency). This variant has not been reported in the literature in individuals affected with WNK1-related conditions. Advanced modeling of protein sequence and biophysical properties (such as structural, functional, and spatial information, amino acid conservation, physicochemical variation, residue mobility, and thermodynamic stability) performed at Invitae indicates that this missense variant is not expected to disrupt WNK1 protein function. In summary, the available evidence is currently insufficient to determine the role of this variant in disease. Therefore, it has been classified as a Variant of Uncertain Significance.